The following is an entry in ClinVar:

NM_001042413.2(GLIS3):c.555A>C (p.Ala185=)

Gene: GLIS3 (GLIS family zinc finger 3; minus strand). Cytogenetic location: 9p24.2.
Variant type: single nucleotide variant.
Coding change: c.555A>C on transcript NM_001042413.2 (MANE Select); coding-DNA position 555, A replaced by C.
Protein change: p.Ala185=; no amino-acid change (alanine 185 retained).
Molecular consequence: synonymous variant.
Genome position (GRCh38, 1-based): chr9:4,125,775, T>G on the plus strand (A>C on the coding strand, the complement: GLIS3 is on the minus strand). VCF-style: chr9-4125775-T-G. GRCh37 (hg19) VCF-style: chr9-4125775-T-G.
Other names: c.90A>C, p.Ala30= (NM_152629.4); c.555A>C (NM_001042413.1).
Identifiers: ClinVar variation 754374 (VCV000754374.8), dbSNP rs752433935, ClinGen allele CA4968507.

ClinVar aggregate classification (germline): Likely benign. Review status: criteria provided, multiple submitters, no conflicts (2 of 4 stars). 3 submissions from 3 submitters: Likely benign (3). Last evaluated 2026-09-23.

Conditions:
Neonatal diabetes mellitus with congenital hypothyroidism. Also called: NDH SYNDROME. Identifiers: Orphanet 79118, MedGen C1857775, MONDO:0012436, OMIM 610199.
GLIS3-related disorder. Also called: GLIS3-related condition.

Allele frequency attached by ClinVar (database versions not stated): gnomAD 0.00001; gnomAD exomes 0.00001 and 0.00003; ExAC 0.00002; TOPMed 0.00007.
gnomAD v4.1: 21 of 1,613,950 alleles (0.0013%); highest among the groups gnomAD compares: Admixed American, 0.0067%; 1 homozygote.

Submissions (3):

PreventionGenetics, part of Exact Sciences
Classification: Likely benign for GLIS3-related condition. Last evaluated: 2026-09-23. Review status: criteria provided, single submitter. Criteria: ACMG Guidelines, 2015. Collection method: clinical testing. Allele origin: germline.
Comment: This variant is classified as likely benign based on ACMG/AMP sequence variant interpretation guidelines (Richards et al. 2015 PMID: 25741868, with internal and published modifications).

Labcorp Genetics (formerly Invitae), Labcorp
Classification: Likely benign. Last evaluated: 2026-01-13. Review status: criteria provided, single submitter. Criteria: Invitae Variant Classification Sherloc (09022015). Collection method: clinical testing. Allele origin: germline.

Fulgent Genetics
Classification: Likely benign for Neonatal diabetes mellitus with congenital hypothyroidism. Last evaluated: 2021-10-06. Review status: criteria provided, single submitter. Criteria: ACMG Guidelines, 2015. Collection method: clinical testing. Allele origin: unknown.